The following is an entry in ClinVar:

NM_033026.6(PCLO):c.7682T>C (p.Leu2561Pro)

Gene: PCLO (piccolo presynaptic cytomatrix protein; minus strand). Cytogenetic location: 7q21.11.
Variant type: single nucleotide variant.
Coding change: c.7682T>C on transcript NM_033026.6 (MANE Select); coding-DNA position 7682, T replaced by C.
Protein change: p.Leu2561Pro; replaces leucine 2561 with proline.
Molecular consequence: missense variant.
Genome position (GRCh38, 1-based): chr7:82,953,271, A>G on the plus strand (T>C on the coding strand, the complement: PCLO is on the minus strand). VCF-style: chr7-82953271-A-G. GRCh37 (hg19) VCF-style: chr7-82582587-A-G.
Other names: c.7682T>C, p.Leu2561Pro (NM_014510.3); short protein forms L2561P.
Identifiers: ClinVar variation 1388597 (VCV001388597.6), dbSNP rs760552932, ClinGen allele CA4320260.

ClinVar aggregate classification (germline): Uncertain significance (1 of 4 stars; one submission).

Allele frequency attached by ClinVar (database versions not stated): gnomAD exomes below 0.00001 and 0.00001; TOPMed below 0.00001; ExAC 0.00001; gnomAD 0.00001.
gnomAD v4.1: 13 of 1,613,762 alleles (0.00081%); highest among the groups gnomAD compares: South Asian, 0.0088%; no homozygotes.

Submission:

Labcorp Genetics (formerly Invitae), Labcorp
Classification: Uncertain significance. Last evaluated: 2022-06-13. Review status: criteria provided, single submitter. Criteria: Invitae Variant Classification Sherloc (09022015). Collection method: clinical testing. Allele origin: germline.
Comment: In summary, the available evidence is currently insufficient to determine the role of this variant in disease. Therefore, it has been classified as a Variant of Uncertain Significance. Algorithms developed to predict the effect of missense changes on protein structure and function are either unavailable or do not agree on the potential impact of this missense change (SIFT: "Deleterious"; PolyPhen-2: "Not Available"; Align-GVGD: "Class C0"). This variant has not been reported in the literature in individuals affected with PCLO-related conditions. This variant is present in population databases (rs760552932, gnomAD 0.004%). This sequence change replaces leucine, which is neutral and non-polar, with proline, which is neutral and non-polar, at codon 2561 of the PCLO protein (p.Leu2561Pro).